The following is an entry in ClinVar:

ClinVar aggregate classification (germline): Uncertain significance (1 of 4 stars; one submission).

Conditions:
Familial adenomatous polyposis 1 (FAP1). Also called: FAMILIAL ADENOMATOUS POLYPOSIS 1, ATTENUATED; POLYPOSIS, ADENOMATOUS INTESTINAL. Identifiers: MedGen C2713442, MONDO:0021056, OMIM 175100. Disease mechanism: loss of function.

Submission:

Labcorp Genetics (formerly Invitae), Labcorp
Classification: Uncertain significance for Familial adenomatous polyposis 1. Last evaluated: 2024-01-02. Review status: criteria provided, single submitter. Criteria: Invitae Variant Classification Sherloc (09022015). Collection method: clinical testing. Allele origin: germline.
Comment: This variant occurs in a non-coding region of the APC gene. It does not change the encoded amino acid sequence of the APC protein. This variant is not present in population databases (gnomAD no frequency). This variant has not been reported in the literature in individuals affected with APC-related conditions. Experimental studies and prediction algorithms are not available or were not evaluated, and the functional significance of this variant is currently unknown. In summary, the available evidence is currently insufficient to determine the role of this variant in disease. Therefore, it has been classified as a Variant of Uncertain Significance.

NM_001127511.3(APC):c.-29A>G

Gene: APC (APC regulator of Wnt signaling pathway; plus strand). Cytogenetic location: 5q22.2.
Variant type: single nucleotide variant.
Coding change: c.-29A>G on transcript NM_001127511.3; 29 bases upstream of the start codon, A replaced by G.
Molecular consequence: 5 prime UTR variant. On other transcripts: non-coding transcript variant (1), intron variant (5).
Genome position (GRCh38, 1-based): chr5:112,707,689, A>G. VCF-style: chr5-112707689-A-G. GRCh37 (hg19) VCF-style: chr5-112043386-A-G.
Other names: c.-212A>G (NM_001354895.2, NM_001407447.1, NM_001407452.1 and 3 more transcripts); c.-29A>G (NM_001354897.2, NM_001354902.2, NM_001407446.1); c.-1247A>G (NM_001407470.1, NM_001407472.1); c.-19+40A>G (NM_001407448.1, NM_001407450.1, NM_001407457.1 and 1 more transcripts); c.-43+40A>G (NM_001407453.1).
Identifiers: ClinVar variation 1046204 (VCV001046204.7), dbSNP rs1750597287, ClinGen allele CA1573442635.